The following is an entry in ClinVar:

NM_000474.4(TWIST1):c.430A>G (p.Ser144Gly)

Genes: TWIST1 (twist family bHLH transcription factor 1; minus strand), LOC129998021 (ATAC-STARR-seq lymphoblastoid active region 25682; plus strand). Cytogenetic location: 7p21.1.
Variant type: single nucleotide variant.
Coding change: c.430A>G on transcript NM_000474.4 (MANE Select); coding-DNA position 430, A replaced by G.
Protein change: p.Ser144Gly; replaces serine 144 with glycine.
Molecular consequence: missense variant. On other transcripts: non-coding transcript variant (1).
Genome position (GRCh38, 1-based): chr7:19,116,892, T>C on the plus strand (A>G on the coding strand, the complement: TWIST1 is on the minus strand). VCF-style: chr7-19116892-T-C. GRCh37 (hg19) VCF-style: chr7-19156515-T-C.
Other names: short protein forms S144G.
Identifiers: ClinVar variation 4796733 (VCV004796733.2).

ClinVar aggregate classification (germline): Likely pathogenic (1 of 4 stars; one submission).

Conditions:
Common craniosynostosis syndromes.

Submission:

Genetics Laboratory, Great Ormond Street Hospital NHS Foundation Trust, North Thames Genomic Laboratory Hub
Classification: Likely pathogenic for Common craniosynostosis syndromes. Last evaluated: 2026-06-12. Review status: criteria provided, single submitter. Criteria: ACGS Best Practice Guidelines for Variant Classification in Rare Disease 2024 v1.2. Collection method: clinical testing. Allele origin: germline. Affected: yes.
Comment: PM2_moderate, PP3_supporting, PM5_supporting, PM1_moderate, PP2_supporting